The following is an entry in ClinVar:

ClinVar aggregate classification (germline): Uncertain significance. Review status: criteria provided, multiple submitters, no conflicts (2 of 4 stars). 2 submissions from 2 submitters: Uncertain significance (2). Last evaluated 2025-09-03.

Conditions:
Hereditary nonpolyposis colorectal neoplasms. Identifiers: MedGen C0009405, MeSH D003123.
Hereditary cancer-predisposing syndrome. Also called: Hereditary Cancer Syndrome; Tumor predisposition; Hereditary neoplastic syndrome; Neoplastic Syndromes, Hereditary. Identifiers: Orphanet 140162, MedGen C0027672, MeSH D009386, MONDO:0015356.

Submissions (2):

Labcorp Genetics (formerly Invitae), Labcorp
Classification: Uncertain significance for Hereditary nonpolyposis colorectal neoplasms. Last evaluated: 2025-09-03. Review status: criteria provided, single submitter. Criteria: Invitae Variant Classification Sherloc (09022015). Collection method: clinical testing. Allele origin: germline.
Comment: This sequence change replaces proline, which is neutral and non-polar, with alanine, which is neutral and non-polar, at codon 590 of the MSH6 protein (p.Pro590Ala). This variant is not present in population databases (gnomAD no frequency). This variant has not been reported in the literature in individuals affected with MSH6-related conditions. ClinVar contains an entry for this variant (Variation ID: 2190294). Invitae Evidence Modeling of protein sequence and biophysical properties (such as structural, functional, and spatial information, amino acid conservation, physicochemical variation, residue mobility, and thermodynamic stability) indicates that this missense variant is not expected to disrupt MSH6 protein function with a negative predictive value of 95%. In summary, the available evidence is currently insufficient to determine the role of this variant in disease. Therefore, it has been classified as a Variant of Uncertain Significance.

Ambry Genetics
Classification: Uncertain significance for Hereditary cancer-predisposing syndrome. Last evaluated: 2024-03-29. Review status: criteria provided, single submitter. Criteria: Ambry Variant Classification Scheme 2023. Collection method: clinical testing. Allele origin: germline.
Comment: The p.P590A variant (also known as c.1768C>G), located in coding exon 4 of the MSH6 gene, results from a C to G substitution at nucleotide position 1768. The proline at codon 590 is replaced by alanine, an amino acid with highly similar properties. This amino acid position is conserved. In addition, this alteration is predicted to be tolerated by in silico analysis. Based on the available evidence, the clinical significance of this alteration remains unclear.

NM_000179.3(MSH6):c.1768C>G (p.Pro590Ala)

Gene: MSH6 (mutS homolog 6; plus strand). Cytogenetic location: 2p16.3.
Variant type: single nucleotide variant.
Coding change: c.1768C>G on transcript NM_000179.3 (MANE Select); coding-DNA position 1768, C replaced by G.
Protein change: p.Pro590Ala; replaces proline 590 with alanine.
Molecular consequence: missense variant.
Genome position (GRCh38, 1-based): chr2:47,799,751, C>G. VCF-style: chr2-47799751-C-G. GRCh37 (hg19) VCF-style: chr2-48026890-C-G.
Other names: c.1378C>G, p.Pro460Ala (NM_001281492.2); c.862C>G, p.Pro288Ala (NM_001281493.2, NM_001281494.2, NM_001406811.1 and 6 more transcripts); c.1864C>G, p.Pro622Ala (NM_001406795.1, NM_001406802.1); c.1768C>G, p.Pro590Ala (NM_001406796.1, NM_001406798.1, NM_001406800.1 and 3 more transcripts); c.1471C>G, p.Pro491Ala (NM_001406797.1, NM_001406801.1, NM_001406805.1 and 10 more transcripts); c.1243C>G, p.Pro415Ala (NM_001406799.1, NM_001406806.1, NM_001406807.1); c.1690C>G, p.Pro564Ala (NM_001406804.1); c.1774C>G, p.Pro592Ala (NM_001406813.1); and 1 more; short protein forms P460A, P415A, P491A, P564A, P590A, P534A, P622A, P288A.
Identifiers: ClinVar variation 2190294 (VCV002190294.5), dbSNP rs1553413153, ClinGen allele CA346749122.